The following is an entry in ClinVar:

ClinVar aggregate classification (germline): Uncertain significance (1 of 4 stars; one submission).

Conditions:
Facioscapulohumeral muscular dystrophy 2 (FSHD2). Also called: FACIOSCAPULOHUMERAL MUSCULAR DYSTROPHY 2, DIGENIC; FSHD2, DIGENIC; MUSCULAR DYSTROPHY, FACIOSCAPULOHUMERAL, TYPE 1B. Identifiers: Orphanet 269, MedGen C1834671, MONDO:0008031, OMIM 158901.

Submission:

Labcorp Genetics (formerly Invitae), Labcorp
Classification: Uncertain significance for Facioscapulohumeral muscular dystrophy 2. Last evaluated: 2025-04-09. Review status: criteria provided, single submitter. Criteria: Invitae Variant Classification Sherloc (09022015). Collection method: clinical testing. Allele origin: germline.
Comment: This variant, c.3645_3646delinsTT, is a complex sequence change that results in the deletion of 2 and insertion of 2 amino acid(s) in the SMCHD1 protein (p.Gln1215_Ser1216delinsHisCys). Information on the frequency of this variant in the gnomAD database is not available, as this variant may be reported differently in the database. This variant has not been reported in the literature in individuals affected with SMCHD1-related conditions. ClinVar contains an entry for this variant (Variation ID: 1435220). Experimental studies and prediction algorithms are not available or were not evaluated, and the functional significance of this variant is currently unknown. In summary, the available evidence is currently insufficient to determine the role of this variant in disease. Therefore, it has been classified as a Variant of Uncertain Significance.

NM_015295.3(SMCHD1):c.3645_3646delinsTT (p.Gln1215_Ser1216delinsHisCys)

Gene: SMCHD1 (structural maintenance of chromosomes flexible hinge domain containing 1; plus strand). Cytogenetic location: 18p11.32.
Variant type: Indel.
Coding change: c.3645_3646delinsTT on transcript NM_015295.3 (MANE Select); coding-DNA positions 3645 to 3646, GA replaced by TT.
Protein change: p.Gln1215_Ser1216delinsHisCys.
Molecular consequence: missense variant.
Genome position (GRCh38, 1-based): chr18:2,743,772-2,743,773, GA replaced by TT. VCF-style: chr18-2743772-GA-TT. GRCh37 (hg19) VCF-style: chr18-2743770-GA-TT.
Identifiers: ClinVar variation 1435220 (VCV001435220.9), dbSNP rs2143569473, ClinGen allele CA2573155110.